The following is an entry in ClinVar:

NC_000004.11:g.(?_186444496)_(186456588_?)dup

Gene: PDLIM3 (PDZ and LIM domain 3; minus strand). Cytogenetic location: 4q35.1.
Variant type: Duplication.
Identifiers: ClinVar variation 2425953 (VCV002425953.5).

ClinVar aggregate classification (germline): Uncertain significance (1 of 4 stars; one submission).

Conditions:
Hypertrophic cardiomyopathy. Also called: HYPERTROPHIC MYOCARDIOPATHY. Identifiers: Orphanet 217569, MedGen C0007194, MeSH D002312, MONDO:0005045, HP:0001639.
Primary dilated cardiomyopathy (DCM). Also called: Dilated Cardiomyopathy. Identifiers: Orphanet 217604, MedGen C0007193, MeSH D002311, MONDO:0005021, HP:0001644. Inheritance: Various modes of inheritance.

Submission:

Labcorp Genetics (formerly Invitae), Labcorp
Classification: Uncertain significance for Hypertrophic cardiomyopathy; Primary dilated cardiomyopathy. Last evaluated: 2022-08-13. Review status: criteria provided, single submitter. Criteria: Invitae Variant Classification Sherloc (09022015). Collection method: clinical testing. Allele origin: germline.
Comment: This variant results in a copy number gain of the genomic region encompassing exon(s) 1-3 of the PDLIM3 gene. This region includes the initiator codon of the gene. This copy number gain extends beyond the assayed region for this gene and therefore may encompass additional genes. As the precise location of this event is unknown, it may be in tandem or it may be located elsewhere in the genome. This variant has not been reported in the literature in individuals affected with PDLIM3-related conditions. In summary, the available evidence is currently insufficient to determine the role of this variant in disease. Therefore, it has been classified as a Variant of Uncertain Significance.